The following is an entry in ClinVar:

ClinVar aggregate classification (germline): Likely benign (0 of 4 stars; one submission).

Conditions:
SLC51A-related disorder. Also called: SLC51A-related condition.

Allele frequency attached by ClinVar (database versions not stated): gnomAD exomes 0.00006; ExAC 0.00020; gnomAD 0.00064; TOPMed 0.00077; ESP Exome Variant Server 0.00092; 1000 Genomes Project 30x 0.00094; 1000 Genomes Project 0.00100.
gnomAD v4.1: 181 of 1,613,958 alleles (0.011%); highest among the groups gnomAD compares: African/African-American, 0.23%; no homozygotes.

Submission:

PreventionGenetics, part of Exact Sciences
Classification: Likely benign for SLC51A-related condition. Last evaluated: 2022-05-16. Review status: no assertion criteria provided. Collection method: clinical testing. Allele origin: germline.
Comment: This variant is classified as likely benign based on ACMG/AMP sequence variant interpretation guidelines (Richards et al. 2015 PMID: 25741868, with internal and published modifications).

NM_152672.6(SLC51A):c.308G>C (p.Cys103Ser)

Gene: SLC51A (solute carrier family 51 member A; plus strand). Cytogenetic location: 3q29.
Variant type: single nucleotide variant.
Coding change: c.308G>C on transcript NM_152672.6 (MANE Select); coding-DNA position 308, G replaced by C.
Protein change: p.Cys103Ser; replaces cysteine 103 with serine.
Molecular consequence: missense variant.
Genome position (GRCh38, 1-based): chr3:196,227,683, G>C. VCF-style: chr3-196227683-G-C. GRCh37 (hg19) VCF-style: chr3-195954554-G-C.
Other names: short protein forms C103S.
Identifiers: ClinVar variation 3047848 (VCV003047848.2), dbSNP rs149437891, ClinGen allele CA2779048.